The following is an entry in ClinVar:

NM_006767.4(LZTR1):c.1028C>T (p.Ala343Val)

Gene: LZTR1 (leucine zipper like post translational regulator 1; plus strand). Cytogenetic location: 22q11.21.
Variant type: single nucleotide variant.
Coding change: c.1028C>T on transcript NM_006767.4 (MANE Select); coding-DNA position 1028, C replaced by T.
Protein change: p.Ala343Val; replaces alanine 343 with valine.
Molecular consequence: missense variant.
Genome position (GRCh38, 1-based): chr22:20,992,248, C>T. VCF-style: chr22-20992248-C-T. GRCh37 (hg19) VCF-style: chr22-21346537-C-T.
Other names: short protein forms A343V.
Identifiers: ClinVar variation 4615648 (VCV004615648.1).

ClinVar aggregate classification (germline): Uncertain significance (1 of 4 stars; one submission).

Conditions:
Cardiovascular phenotype. Identifiers: MedGen CN230736.
Hereditary cancer-predisposing syndrome. Also called: Neoplastic Syndromes, Hereditary; Tumor predisposition; Hereditary Cancer Syndrome; Hereditary neoplastic syndrome. Identifiers: Orphanet 140162, MedGen C0027672, MeSH D009386, MONDO:0015356.

Submission:

Ambry Genetics
Classification: Uncertain significance for Cardiovascular phenotype; Hereditary cancer-predisposing syndrome. Last evaluated: 2025-11-02. Review status: criteria provided, single submitter. Criteria: Ambry Variant Classification Scheme 2023. Collection method: clinical testing. Allele origin: germline.
Comment: The p.A343V variant (also known as c.1028C>T), located in coding exon 10 of the LZTR1 gene, results from a C to T substitution at nucleotide position 1028. The alanine at codon 343 is replaced by valine, an amino acid with similar properties. This amino acid position is conserved. In addition, this alteration is predicted to be tolerated by in silico analysis. Based on the available evidence, the clinical significance of this variant remains unclear.